The following is an entry in ClinVar:

NR_003051.4(RMRP):n.121C>T

Gene: RMRP (RNA component of mitochondrial RNA processing endoribonuclease; minus strand). Cytogenetic location: 9p13.3.
Variant type: single nucleotide variant.
Genome position: GRCh38 VCF-style: chr9-35657899-G-A. GRCh37 (hg19) VCF-style: chr9-35657896-G-A.
Identifiers: ClinVar variation 662596 (VCV000662596.7), dbSNP rs549849356, ClinGen allele CA192745621.

ClinVar aggregate classification (germline): Uncertain significance. Review status: criteria provided, single submitter (1 of 4 stars). 2 submissions from 2 submitters: Uncertain significance (1). 1 of the submissions does not count toward it. Last evaluated 2024-09-15.

Conditions:
Metaphyseal chondrodysplasia, McKusick type (CHH). Also called: Cartilage-hair hypoplasia; Cartilage-Hair Hypoplasia (CHH). Identifiers: Orphanet 175, MedGen C0220748, MONDO:0009595, OMIM 250250.
Anauxetic dysplasia. Identifiers: Orphanet 93347, MedGen C1846796, MONDO:0011773.

Allele frequency attached by ClinVar (database versions not stated): gnomAD exomes 0.00003; gnomAD 0.00008 and 0.00009; TOPMed 0.00009.
gnomAD v4.1: 38 of 698,010 alleles (0.0054%); highest among the groups gnomAD compares: African/African-American, 0.0091%; no homozygotes.

Submissions (2):

Labcorp Genetics (formerly Invitae), Labcorp
Classification: Uncertain significance for Anauxetic dysplasia. Last evaluated: 2024-09-15. Review status: criteria provided, single submitter. Criteria: Invitae Variant Classification Sherloc (09022015). Collection method: clinical testing. Allele origin: germline.
Comment: This variant occurs in the RMRP gene, which encodes an RNA molecule that does not result in a protein product. This variant is present in population databases (rs549849356, gnomAD 0.01%). This variant has not been reported in the literature in individuals affected with RMRP-related conditions. ClinVar contains an entry for this variant (Variation ID: 662596). Experimental studies and prediction algorithms are not available or were not evaluated, and the functional significance of this variant is currently unknown. In summary, the available evidence is currently insufficient to determine the role of this variant in disease. Therefore, it has been classified as a Variant of Uncertain Significance.

Natera, Inc.
Classification: Uncertain significance for Cartilage-hair hypoplasia. Last evaluated: 2020-09-16. Review status: no assertion criteria provided. Collection method: clinical testing. Allele origin: germline. Not counted in ClinVar's aggregate classification.